The following is an entry in ClinVar:

NM_014484.5(MOCS3):c.485C>A (p.Thr162Lys)

Gene: MOCS3 (molybdenum cofactor synthesis 3; plus strand). Cytogenetic location: 20q13.13.
Variant type: single nucleotide variant.
Coding change: c.485C>A on transcript NM_014484.5 (MANE Select); coding-DNA position 485, C replaced by A.
Protein change: p.Thr162Lys; replaces threonine 162 with lysine.
Molecular consequence: missense variant.
Genome position (GRCh38, 1-based): chr20:50,959,327, C>A. VCF-style: chr20-50959327-C-A. GRCh37 (hg19) VCF-style: chr20-49575864-C-A.
Other names: short protein forms T162K.
Identifiers: ClinVar variation 2753877 (VCV002753877.3), dbSNP rs1045863557, ClinGen allele CA408983116.

ClinVar aggregate classification (germline): Uncertain significance (1 of 4 stars; one submission).

Submission:

Labcorp Genetics (formerly Invitae), Labcorp
Classification: Uncertain significance. Last evaluated: 2023-10-28. Review status: criteria provided, single submitter. Criteria: Invitae Variant Classification Sherloc (09022015). Collection method: clinical testing. Allele origin: germline.
Comment: This sequence change replaces threonine, which is neutral and polar, with lysine, which is basic and polar, at codon 162 of the MOCS3 protein (p.Thr162Lys). This variant is not present in population databases (gnomAD no frequency). This variant has not been reported in the literature in individuals affected with MOCS3-related conditions. An algorithm developed to predict the effect of missense changes on protein structure and function (PolyPhen-2) suggests that this variant is likely to be tolerated. In summary, the available evidence is currently insufficient to determine the role of this variant in disease. Therefore, it has been classified as a Variant of Uncertain Significance.